The following is an entry in ClinVar:

ClinVar aggregate classification (germline): Conflicting classifications of pathogenicity. Review status: criteria provided, conflicting classifications (1 of 4 stars). 4 submissions from 4 submitters: Pathogenic (1); Uncertain significance (2); Likely benign (1). Last evaluated 2026-04-22.

Conditions:
Adams-Oliver syndrome 5 (AOS5). Identifiers: Orphanet 974, MedGen C4014970, MONDO:0014459, OMIM 616028.
Familial thoracic aortic aneurysm and aortic dissection (TAAD). Also called: Thoracic aortic aneurysms and dissections. Identifiers: Orphanet 91387, MedGen C4707243, MONDO:0019625.
Myeloproliferative neoplasm, unclassifiable. Identifiers: Orphanet 86830, MedGen C1333046, MONDO:0019452.

Allele frequency attached by ClinVar (database versions not stated): TOPMed 0.00001.
gnomAD v4.1: 16 of 1,613,170 alleles (0.00099%); highest among the groups gnomAD compares: South Asian, 0.0088%; no homozygotes.

Submissions (4):

GeneDx
Classification: Uncertain significance. Last evaluated: 2026-04-22. Review status: criteria provided, single submitter. Criteria: GeneDx Variant Classification Process June 2021. Collection method: clinical testing. Allele origin: germline.
Comment: In silico analysis supports that this missense variant has a deleterious effect on protein structure/function; This variant is associated with the following publications: (PMID: 40127276)

Ambry Genetics
Classification: Uncertain significance for Familial thoracic aortic aneurysm and aortic dissection. Last evaluated: 2025-08-07. Review status: criteria provided, single submitter. Criteria: Ambry Variant Classification Scheme 2023. Collection method: clinical testing. Allele origin: germline.

Labcorp Genetics (formerly Invitae), Labcorp
Classification: Likely benign for Adams-Oliver syndrome 5. Last evaluated: 2024-08-19. Review status: criteria provided, single submitter. Criteria: Invitae Variant Classification Sherloc (09022015). Collection method: clinical testing. Allele origin: germline.

Dept. of Cytogenetics, ICMR- National Institute of Immunohaematology
Classification: Pathogenic for Myeloproliferative neoplasm, unclassifiable. Last evaluated: 2022-08-25. Review status: criteria provided, single submitter. Criteria: Oncogenicity SOP (ClinGen, CGC, VICC guidelines) 2022. Collection method: clinical testing. Allele origin: somatic. Affected: yes. Observed: 1 variant allele.

NM_017617.5(NOTCH1):c.2296G>A (p.Gly766Ser)

Gene: NOTCH1 (notch receptor 1; minus strand). Cytogenetic location: 9q34.3.
Variant type: single nucleotide variant.
Coding change: c.2296G>A on transcript NM_017617.5 (MANE Select); coding-DNA position 2296, G replaced by A.
Protein change: p.Gly766Ser; replaces glycine 766 with serine.
Molecular consequence: missense variant.
Genome position (GRCh38, 1-based): chr9:136,513,449, C>T on the plus strand (G>A on the coding strand, the complement: NOTCH1 is on the minus strand). VCF-style: chr9-136513449-C-T. GRCh37 (hg19) VCF-style: chr9-139407901-C-T.
Other names: c.2296G>A (NM_017617.3); short protein forms G766S.
Identifiers: ClinVar variation 1705900 (VCV001705900.8), dbSNP rs768836936, ClinGen allele CA5341425.